The following is an entry in ClinVar:

NM_152419.3(HGSNAT):c.1313C>T (p.Ala438Val)

Gene: HGSNAT (heparan-alpha-glucosaminide N-acetyltransferase; plus strand). Cytogenetic location: 8p11.21.
Variant type: single nucleotide variant.
Coding change: c.1313C>T on transcript NM_152419.3 (MANE Select); coding-DNA position 1313, C replaced by T.
Protein change: p.Ala438Val; replaces alanine 438 with valine.
Molecular consequence: missense variant.
Genome position (GRCh38, 1-based): chr8:43,192,366, C>T. VCF-style: chr8-43192366-C-T. GRCh37 (hg19) VCF-style: chr8-43047509-C-T.
Other names: c.1313C>T, p.Ala438Val (NM_001363227.2); c.1121C>T, p.Ala374Val (NM_001363228.2); c.449C>T, p.Ala150Val (NM_001363229.2); short protein forms A438V, A150V, A374V.
Identifiers: ClinVar variation 1498086 (VCV001498086.5), dbSNP rs1016164503, ClinGen allele CA176073957.
Genomic context (GRCh38, chr8:43,192,366, plus strand): 5'-GTTATCTTGGTCCTGGGGGCATTGGAGATTTTGGCAAGTATCCAAATTGCACTGGAGGAG[C>T]TGCAGGCTACATCGACCGCCTGCTGCTGGGAGACGATCACCTTTACCAGCACCCATCTTC-3'
Protein context (NP_689632.2, residues 428-448): FGKYPNCTGG[Ala438Val]AGYIDRLLLG

ClinVar aggregate classification (germline): Uncertain significance (1 of 4 stars; one submission).

Conditions:
Mucopolysaccharidosis, MPS-III-C (MPS3C). Also called: SANFILIPPO SYNDROME C; MPS III C; MPS IIIC (Sanfilippo Syndrome Type C); MUCOPOLYSACCHARIDOSIS, TYPE IIIC; Mucopolysaccharidosis type IIIC (Sanfilippo C); mucopolysaccharidosis type 3C. Identifiers: Orphanet 581, Orphanet 79271, MedGen C0086649, MONDO:0009657, OMIM 252930.
Retinitis pigmentosa 73 (RP73). Identifiers: Orphanet 791, MedGen C4225287, MONDO:0014687, OMIM 616544.

Allele frequency attached by ClinVar (database versions not stated): gnomAD 0.00001; TOPMed 0.00001.
gnomAD v4.1: 3 of 1,612,682 alleles (0.00019%); highest among the groups gnomAD compares: African/African-American, 0.004%; no homozygotes.

Submission:

Labcorp Genetics (formerly Invitae), Labcorp
Classification: Uncertain significance for Retinitis pigmentosa 73; Mucopolysaccharidosis, MPS-III-C. Last evaluated: 2022-07-18. Review status: criteria provided, single submitter. Criteria: Invitae Variant Classification Sherloc (09022015). Collection method: clinical testing. Allele origin: germline.
Comment: This sequence change replaces alanine, which is neutral and non-polar, with valine, which is neutral and non-polar, at codon 438 of the HGSNAT protein (p.Ala438Val). This variant is not present in population databases (gnomAD no frequency). This variant has not been reported in the literature in individuals affected with HGSNAT-related conditions. ClinVar contains an entry for this variant (Variation ID: 1498086). Advanced modeling of protein sequence and biophysical properties (such as structural, functional, and spatial information, amino acid conservation, physicochemical variation, residue mobility, and thermodynamic stability) performed at Invitae indicates that this missense variant is expected to disrupt HGSNAT protein function. In summary, the available evidence is currently insufficient to determine the role of this variant in disease. Therefore, it has been classified as a Variant of Uncertain Significance.